The following is an entry in ClinVar:

NM_002581.5(PAPPA):c.345C>T (p.Pro115=)

Gene: PAPPA (pappalysin 1; plus strand). Cytogenetic location: 9q33.1.
Variant type: single nucleotide variant.
Coding change: c.345C>T on transcript NM_002581.5 (MANE Select); coding-DNA position 345, C replaced by T.
Protein change: p.Pro115=; no amino-acid change (proline 115 retained).
Molecular consequence: synonymous variant.
Genome position (GRCh38, 1-based): chr9:116,154,517, C>T. VCF-style: chr9-116154517-C-T. GRCh37 (hg19) VCF-style: chr9-118916796-C-T.
Identifiers: ClinVar variation 2659460 (VCV002659460.24), dbSNP rs1012793001, ClinGen allele CA466796881.
Genomic context (GRCh38, chr9:116,154,517, plus strand): 5'-GGCGCTCTATTTCAGCGGGCGAGGCGAGCAGCTGCGCCTCCGGGCCGACCTCGAGCTGCC[C>T]CGGGACGCGTTCACGCTGCAAGTGTGGCTGCGAGCGGAGGGGGGCCAGAGGTCTCCGGCA-3'
Protein context (NP_002572.2, residues 105-125): QLRLRADLEL[Pro115=]RDAFTLQVWL

ClinVar aggregate classification (germline): Likely benign (1 of 4 stars; one submission).

Submission:

CeGaT Center for Human Genetics Tuebingen
Classification: Likely benign. Last evaluated: 2022-05-01. Review status: criteria provided, single submitter. Criteria: CeGaT Center For Human Genetics Tuebingen Variant Classification Criteria Version 2. Collection method: clinical testing. Allele origin: germline. Affected: yes. Observed: 1 variant allele.
Comment: PAPPA: PM2:Supporting, BP4, BP7